The following is an entry in ClinVar:

ClinVar aggregate classification (germline): Uncertain significance (1 of 4 stars; one submission).

gnomAD v4.1: 2 of 1,613,844 alleles (0.00012%); highest among the groups gnomAD compares: Admixed American, 0.0033%; no homozygotes.

Submission:

GeneDx
Classification: Uncertain significance. Last evaluated: 2023-06-08. Review status: criteria provided, single submitter. Criteria: GeneDx Variant Classification Process June 2021. Collection method: clinical testing. Allele origin: germline. Affected: yes.
Comment: Has not been previously published as pathogenic or benign to our knowledge; Not observed at significant frequency in large population cohorts (gnomAD); In silico analysis suggests this variant may impact gene splicing. In the absence of RNA/functional studies, the actual effect of this sequence change is unknown.

NM_014991.6(WDFY3):c.5406G>A (p.Arg1802=)

Gene: WDFY3 (WD repeat and FYVE domain containing 3; minus strand). Cytogenetic location: 4q21.23.
Variant type: single nucleotide variant.
Coding change: c.5406G>A on transcript NM_014991.6 (MANE Select); coding-DNA position 5406, G replaced by A.
Protein change: p.Arg1802=; no amino-acid change (arginine 1802 retained).
Molecular consequence: synonymous variant.
Genome position (GRCh38, 1-based): chr4:84,756,944, C>T on the plus strand (G>A on the coding strand, the complement: WDFY3 is on the minus strand). VCF-style: chr4-84756944-C-T. GRCh37 (hg19) VCF-style: chr4-85678097-C-T.
Identifiers: ClinVar variation 3359702 (VCV003359702.1).
Genomic context (GRCh38, chr4:84,756,944, plus strand): 5'-GGAATACGTAATTTCACGCACCCCTTGCTAGATAATTCCTACCTGGCAACCCTGCTTACT[C>T]CGGCAGCTGATGACAGGCACACTGACCTGCAGGTTCTCAGGCAGCTCACTAACTGGCTGC-3'
Protein context (NP_055806.2, residues 1792-1812): LQVSVPVISC[Arg1802=]SKQGCQFDLD